The following is an entry in ClinVar:

ClinVar aggregate classification (germline): Uncertain significance (1 of 4 stars; one submission).

Conditions:
Charcot-Marie-Tooth disease, type I (CMT1). Also called: Charcot-Marie-Tooth, Type 1; Charcot-Marie-Tooth disease type 1. Identifiers: Orphanet 65753, MedGen C0751036, MONDO:0019011.

gnomAD v4.1: 2 of 1,613,968 alleles (0.00012%); highest among the groups gnomAD compares: Non-Finnish European, 0.00017%; no homozygotes.

Submission:

Labcorp Genetics (formerly Invitae), Labcorp
Classification: Uncertain significance for Charcot-Marie-Tooth disease, type I. Last evaluated: 2025-07-03. Review status: criteria provided, single submitter. Criteria: Invitae Variant Classification Sherloc (09022015). Collection method: clinical testing. Allele origin: germline.
Comment: This sequence change replaces proline, which is neutral and non-polar, with serine, which is neutral and polar, at codon 169 of the EGR2 protein (p.Pro169Ser). This variant is present in population databases (rs753161591, gnomAD 0.0009%). This variant has not been reported in the literature in individuals affected with EGR2-related conditions. Invitae Evidence Modeling of protein sequence and biophysical properties (such as structural, functional, and spatial information, amino acid conservation, physicochemical variation, residue mobility, and thermodynamic stability) has been performed for this missense variant. However, the output from this modeling did not meet the statistical confidence thresholds required to predict the impact of this variant on EGR2 protein function. In summary, the available evidence is currently insufficient to determine the role of this variant in disease. Therefore, it has been classified as a Variant of Uncertain Significance.

NM_000399.5(EGR2):c.505C>T (p.Pro169Ser)

Gene: EGR2 (early growth response 2; minus strand). Cytogenetic location: 10q21.3.
Variant type: single nucleotide variant.
Coding change: c.505C>T on transcript NM_000399.5 (MANE Select); coding-DNA position 505, C replaced by T.
Protein change: p.Pro169Ser; replaces proline 169 with serine.
Molecular consequence: missense variant.
Genome position (GRCh38, 1-based): chr10:62,814,133, G>A on the plus strand (C>T on the coding strand, the complement: EGR2 is on the minus strand). VCF-style: chr10-62814133-G-A. GRCh37 (hg19) VCF-style: chr10-64573893-G-A.
Other names: c.505C>T, p.Pro169Ser (NM_001136177.3, NM_001136178.2); c.355C>T, p.Pro119Ser (NM_001136179.3, NM_001321037.2); c.544C>T, p.Pro182Ser (NM_001410931.1); short protein forms P119S, P169S, P182S.
Identifiers: ClinVar variation 4717689 (VCV004717689.1).